The following is an entry in ClinVar:

NM_152268.4(PARS2):c.1090C>T (p.Pro364Ser)

Gene: PARS2 (prolyl-tRNA synthetase 2, mitochondrial; minus strand). Cytogenetic location: 1p32.3.
Variant type: single nucleotide variant.
Coding change: c.1090C>T on transcript NM_152268.4 (MANE Select); coding-DNA position 1090, C replaced by T.
Protein change: p.Pro364Ser; replaces proline 364 with serine.
Molecular consequence: missense variant.
Genome position (GRCh38, 1-based): chr1:54,758,072, G>A on the plus strand (C>T on the coding strand, the complement: PARS2 is on the minus strand). VCF-style: chr1-54758072-G-A. GRCh37 (hg19) VCF-style: chr1-55223745-G-A.
Other names: short protein forms P364S.
Identifiers: ClinVar variation 5019389 (VCV005019389.2).
Genomic context (GRCh38, chr1:54,758,072, plus strand): 5'-GCTCCTTACTGCCCTTCTTAGGGGGGATGAGGCAGGCTTGGTAAGGGGCCAGTAGGCTGG[G>A]CCAGCGGACACAGTCTTCTGTAGAGAGGACTTCAATGGCAGCAGCCAAGATCCGTGTCAC-3'
Protein context (NP_689481.2, residues 354-374): VLSTEDCVRW[Pro364Ser]SLLAPYQACL

ClinVar aggregate classification (germline): Uncertain significance (1 of 4 stars; one submission).

Conditions:
Developmental and epileptic encephalopathy, 75. Also called: EPILEPTIC ENCEPHALOPATHY, EARLY INFANTILE, 75. Identifiers: MedGen C5193099, MONDO:0032752, OMIM 618437.

Submission:

Juno Genomics, Hangzhou Juno Genomics, Inc
Classification: Uncertain significance for Developmental and epileptic encephalopathy, 75. Review status: criteria provided, single submitter. Criteria: ACMG Guidelines, 2015. Collection method: clinical testing. Allele origin: germline.
Comment: Absent from controls (or at extremely low frequency if recessive) in Genome Aggregation Database.;Multiple lines of computational evidence support a deleterious effect on the gene or gene product.